The following is an entry in ClinVar:

NM_001369.3(DNAH5):c.11938G>T (p.Glu3980Ter)

Gene: DNAH5 (dynein axonemal heavy chain 5; minus strand). Cytogenetic location: 5p15.2.
Variant type: single nucleotide variant.
Coding change: c.11938G>T on transcript NM_001369.3 (MANE Select); coding-DNA position 11938, G replaced by T.
Protein change: p.Glu3980Ter; replaces glutamic acid 3980 with a stop codon.
Molecular consequence: nonsense.
Genome position (GRCh38, 1-based): chr5:13,727,602, C>A on the plus strand (G>T on the coding strand, the complement: DNAH5 is on the minus strand). VCF-style: chr5-13727602-C-A. GRCh37 (hg19) VCF-style: chr5-13727711-C-A.
Other names: short protein forms E3980*.
Identifiers: ClinVar variation 1725394 (VCV001725394.2), dbSNP rs1221618846, ClinGen allele CA359218285.

ClinVar aggregate classification (germline): Likely pathogenic (1 of 4 stars; one submission).

Conditions:
Primary ciliary dyskinesia 3. Identifiers: Orphanet 244, MedGen C1837618, MONDO:0012085, OMIM 608644.

Submission:

Myriad Genetics, Inc.
Classification: Likely pathogenic for Primary ciliary dyskinesia 3. Last evaluated: 2022-03-17. Review status: criteria provided, single submitter. Criteria: Myriad Women's Health Autosomal Recessive and X-Linked Classification Criteria (2021). Collection method: clinical testing. Allele origin: unknown.
Comment: NM_001369.2(DNAH5):c.11938G>T(E3980*) is expected to be pathogenic in the context of DNAH5-related primary ciliary dyskinesia. This variant is predicted to lead to an abnormal or absent protein product due to the creation of a premature termination codon in DNAH5, a gene where loss-of-function variants are known to be pathogenic. Please note: this variant was assessed in the context of healthy population screening.